The following is an entry in ClinVar:

ClinVar aggregate classification (germline): Uncertain significance. Review status: criteria provided, multiple submitters, no conflicts (2 of 4 stars). 2 submissions from 2 submitters: Uncertain significance (2). Last evaluated 2025-03-05.

Conditions:
Inborn genetic diseases. Identifiers: MedGen C0950123, MeSH D030342.

Allele frequency attached by ClinVar (database versions not stated): gnomAD 0.00001; gnomAD exomes 0.00001; TOPMed 0.00002.
gnomAD v4.1: 11 of 1,613,902 alleles (0.00068%); highest among the groups gnomAD compares: Non-Finnish European, 0.00085%; no homozygotes.

Submissions (2):

Ambry Genetics
Classification: Uncertain significance for Inborn genetic diseases. Last evaluated: 2025-03-05. Review status: criteria provided, single submitter. Criteria: Ambry Variant Classification Scheme 2023. Collection method: clinical testing. Allele origin: germline.

Labcorp Genetics (formerly Invitae), Labcorp
Classification: Uncertain significance. Last evaluated: 2022-10-17. Review status: criteria provided, single submitter. Criteria: Invitae Variant Classification Sherloc (09022015). Collection method: clinical testing. Allele origin: germline.
Comment: Advanced modeling of protein sequence and biophysical properties (such as structural, functional, and spatial information, amino acid conservation, physicochemical variation, residue mobility, and thermodynamic stability) performed at Invitae indicates that this missense variant is not expected to disrupt CUL7 protein function. ClinVar contains an entry for this variant (Variation ID: 1444856). This variant has not been reported in the literature in individuals affected with CUL7-related conditions. This variant is present in population databases (no rsID available, gnomAD 0.002%). This sequence change replaces arginine, which is basic and polar, with tryptophan, which is neutral and slightly polar, at codon 1190 of the CUL7 protein (p.Arg1190Trp). In summary, the available evidence is currently insufficient to determine the role of this variant in disease. Therefore, it has been classified as a Variant of Uncertain Significance.

NM_014780.5(CUL7):c.3568C>T (p.Arg1190Trp)

Gene: CUL7 (cullin 7; minus strand). Cytogenetic location: 6p21.1.
Variant type: single nucleotide variant.
Coding change: c.3568C>T on transcript NM_014780.5 (MANE Select); coding-DNA position 3568, C replaced by T.
Protein change: p.Arg1190Trp; replaces arginine 1190 with tryptophan.
Molecular consequence: missense variant.
Genome position (GRCh38, 1-based): chr6:43,042,879, G>A on the plus strand (C>T on the coding strand, the complement: CUL7 is on the minus strand). VCF-style: chr6-43042879-G-A. GRCh37 (hg19) VCF-style: chr6-43010617-G-A.
Other names: c.3664C>T, p.Arg1222Trp (NM_001168370.2, NM_001374872.1); c.3568C>T, p.Arg1190Trp (NM_001374873.1); c.3565C>T, p.Arg1189Trp (NM_001374874.1); c.3568C>T (NM_014780.4); short protein forms R1189W, R1222W, R1190W.
Identifiers: ClinVar variation 1444856 (VCV001444856.10), dbSNP rs902734461, ClinGen allele CA138244629.